The following is an entry in ClinVar:

NM_020928.2(ZSWIM6):c.2426G>A (p.Arg809His)

Gene: ZSWIM6 (zinc finger SWIM-type containing 6; plus strand). Cytogenetic location: 5q12.1.
Variant type: single nucleotide variant.
Coding change: c.2426G>A on transcript NM_020928.2 (MANE Select); coding-DNA position 2426, G replaced by A.
Protein change: p.Arg809His; replaces arginine 809 with histidine.
Molecular consequence: missense variant.
Genome position (GRCh38, 1-based): chr5:61,538,858, G>A. VCF-style: chr5-61538858-G-A. GRCh37 (hg19) VCF-style: chr5-60834685-G-A.
Other names: short protein forms R809H.
Identifiers: ClinVar variation 1464673 (VCV001464673.11), dbSNP rs754821174, ClinGen allele CA119663790.
Genomic context (GRCh38, chr5:61,538,858, plus strand): 5'-TGTCTTCTCATTATAGGTTACTAGTATTGGAATCTACTGCTCCATCAGGAGACCTCACCC[G>A]CCCACACCACATTGCATCAGTTGTTCCCAACCGCTACCCTCGCTGGTTCACTCTAAGCCA-3'
Protein context (NP_065979.1, residues 799-819): ESTAPSGDLT[Arg809His]PHHIASVVPN

ClinVar aggregate classification (germline): Uncertain significance. Review status: criteria provided, multiple submitters, no conflicts (2 of 4 stars). 2 submissions from 2 submitters: Uncertain significance (2). Last evaluated 2025-10-16.

Allele frequency attached by ClinVar (database versions not stated): gnomAD exomes 0.00001; gnomAD 0.00002; TOPMed 0.00003.
gnomAD v4.1: 18 of 1,552,074 alleles (0.0012%); highest among the groups gnomAD compares: African/African-American, 0.0027%; no homozygotes.

Submissions (2):

Labcorp Genetics (formerly Invitae), Labcorp
Classification: Uncertain significance. Last evaluated: 2025-10-16. Review status: criteria provided, single submitter. Criteria: Invitae Variant Classification Sherloc (09022015). Collection method: clinical testing. Allele origin: germline.
Comment: This sequence change replaces arginine, which is basic and polar, with histidine, which is basic and polar, at codon 809 of the ZSWIM6 protein (p.Arg809His). This variant is present in population databases (rs754821174, gnomAD 0.01%). This variant has not been reported in the literature in individuals affected with ZSWIM6-related conditions. ClinVar contains an entry for this variant (Variation ID: 1464673). Invitae Evidence Modeling of protein sequence and biophysical properties (such as structural, functional, and spatial information, amino acid conservation, physicochemical variation, residue mobility, and thermodynamic stability) indicates that this missense variant is not expected to disrupt ZSWIM6 protein function with a negative predictive value of 80%. In summary, the available evidence is currently insufficient to determine the role of this variant in disease. Therefore, it has been classified as a Variant of Uncertain Significance.

Revvity Omics, Revvity
Classification: Uncertain significance. Last evaluated: 2021-11-21. Review status: criteria provided, single submitter. Criteria: ACMG Guidelines, 2015. Collection method: clinical testing. Allele origin: germline.